The following is an entry in ClinVar:

ClinVar aggregate classification (germline): Pathogenic (1 of 4 stars; one submission).

Conditions:
Breast-ovarian cancer, familial, susceptibility to, 2 (BROVCA2). Also called: BRCA2 Hereditary Breast and Ovarian Cancer. Identifiers: Orphanet 145, MedGen C2675520, MONDO:0012933, OMIM 612555. Disease mechanism: loss of function.

Submission:

Myriad Genetics, Inc.
Classification: Pathogenic for Breast-ovarian cancer, familial, susceptibility to, 2. Last evaluated: 2025-05-05. Review status: criteria provided, single submitter. Criteria: Myriad Autosomal Dominant, Autosomal Recessive and X-Linked Classification Criteria (2023). Collection method: clinical testing. Allele origin: unknown.
Comment: This variant is considered pathogenic. This variant creates a frameshift predicted to result in premature protein truncation.

NM_000059.4(BRCA2):c.9205del (p.Cys3069fs)

Gene: BRCA2 (BRCA2 DNA repair associated; plus strand). Cytogenetic location: 13q13.1.
Variant type: Deletion.
Coding change: c.9205del on transcript NM_000059.4 (MANE Select); coding-DNA position 9205, one base deleted (T; older notation c.9205delT).
Protein change: p.Cys3069fs; shifts the reading frame from cysteine 3069.
Molecular consequence: frameshift variant. On other transcripts: non-coding transcript variant (1).
Genome position (GRCh38, 1-based): chr13:32,380,094, T deleted; the last of 2 consecutive T bases (chr13:32,380,093-32,380,094); deleting either gives the same sequence. VCF-style (leftmost placement, unchanged base first): chr13-32380092-CT-C. GRCh37 (hg19) VCF-style: chr13-32954229-CT-C.
Other names: c.9109del, p.Cys3037fs (NM_001406719.1); c.9154del, p.Cys3052fs (NM_001406720.1); c.4273del, p.Cys1425fs (NM_001406721.1); c.2788del, p.Cys930fs (NM_001406722.1); c.9205del, p.Cys3069fs (NM_001432077.1); short protein forms C1425fs, C3037fs, C3052fs, C3069fs, C930fs.
Identifiers: ClinVar variation 4071383 (VCV004071383.1).